The following is an entry in ClinVar:

ClinVar aggregate classification (germline): Likely pathogenic (1 of 4 stars; one submission).

Conditions:
F13A1-related disorder. Also called: F13A1-related condition.

Submission:

PreventionGenetics, part of Exact Sciences
Classification: Likely pathogenic for F13A1-related condition. Last evaluated: 2024-11-13. Review status: criteria provided, single submitter. Criteria: ACMG Guidelines, 2015. Collection method: clinical testing. Allele origin: germline.
Comment: The F13A1 c.1443_1446delTTAC variant is predicted to result in a frameshift and premature protein termination (p.Tyr482Asnfs*13). This variant has been reported in the compound heterozygous state in an individual severe Factor XIII-A deficiency (Patient 38, Ivaškevičius et al. 2017. PubMed ID: 28520207). This variant is reported in 0.0029% of alleles in individuals of Latino descent in gnomAD. Frameshift variants in F13A1 are expected to be pathogenic. This variant is interpreted as likely pathogenic.

NM_000129.4(F13A1):c.1443_1446del (p.Tyr482fs)

Gene: F13A1 (coagulation factor XIII A chain; minus strand). Cytogenetic location: 6p25.1.
Variant type: Deletion.
Coding change: c.1443_1446del on transcript NM_000129.4 (MANE Select); coding-DNA positions 1443 to 1446, 4 bases deleted (TTAC; older notation c.1443_1446delTTAC).
Protein change: p.Tyr482fs; shifts the reading frame from tyrosine 482.
Molecular consequence: frameshift variant.
Genome position (GRCh38, 1-based): chr6:6,182,001-6,182,004, GTAA deleted on the plus strand (TTAC on the coding strand, the reverse complement: F13A1 is on the minus strand); deleting any 4 consecutive bases within chr6:6,182,001-6,182,007 gives the same sequence; the c. name uses the placement nearest the transcript's 3' end. VCF-style (leftmost placement, unchanged base first): chr6-6182000-TGTAA-T. GRCh37 (hg19) VCF-style: chr6-6182233-TGTAA-T.
Other names: c.1443_1446delTTAC (NM_000129.3); short protein forms Y482fs.
Identifiers: ClinVar variation 4987917 (VCV004987917.1).